The following is an entry in ClinVar:

ClinVar aggregate classification (germline): Pathogenic/Likely pathogenic. Review status: criteria provided, multiple submitters, no conflicts (2 of 4 stars). 9 submissions from 9 submitters: Pathogenic (3); Likely pathogenic (4). 2 of the submissions do not count toward it. Last evaluated 2026-01-24.

Conditions:
AGPAT2-related disorder. Also called: AGPAT2-related condition.
Congenital generalized lipodystrophy type 1 (CGL1). Also called: Berardinelli-Seip Congenital Lipodystrophy Type 1; BRUNZELL SYNDROME, AGPAT2-RELATED. Identifiers: Orphanet 528, Orphanet 696189, MedGen C1720862, MONDO:0012071, OMIM 608594.

Allele frequency attached by ClinVar (database versions not stated): gnomAD exomes 0.00040 and 0.00013; TOPMed 0.00119; 1000 Genomes Project 0.00200; ExAC 0.00050; gnomAD 0.00103 and 0.00094; ESP Exome Variant Server 0.00085.
gnomAD v4.1: 333 of 1,510,710 alleles (0.022%); highest among the groups gnomAD compares: African/African-American, 0.29%; no homozygotes.

Submissions (11):

Labcorp Genetics (formerly Invitae), Labcorp
Classification: Pathogenic. Last evaluated: 2026-01-24. Review status: criteria provided, single submitter. Criteria: Invitae Variant Classification Sherloc (09022015). Collection method: clinical testing. Allele origin: germline.
Comment: This sequence change creates a premature translational stop signal (p.Lys216*) in the AGPAT2 gene. While this is not anticipated to result in nonsense mediated decay, it is expected to disrupt the last 63 amino acid(s) of the AGPAT2 protein. This variant is present in population databases (rs138994150, gnomAD 0.3%), and has an allele count higher than expected for a pathogenic variant. This premature translational stop signal has been observed in individual(s) with congenital generalized lipodystrophy (PMID: 12765973, 32800040). ClinVar contains an entry for this variant (Variation ID: 365922). This variant disrupts a region of the AGPAT2 protein in which other variant(s) (p.Gly221Glufs*32) have been determined to be pathogenic (PMID: 32412105). This suggests that this is a clinically significant region of the protein, and that variants that disrupt it are likely to be disease-causing. For these reasons, this variant has been classified as Pathogenic.

First Genomix Gene Laboratory, Genetic Diagnostics Department
Classification: Pathogenic for Congenital generalized lipodystrophy type 1. Last evaluated: 2025-09-24. Review status: criteria provided, single submitter. Criteria: ACMG Guidelines, 2015. Collection method: clinical testing. Allele origin: germline. Inheritance: Autosomal recessive inheritance. Affected: no. Observed: 1 variant allele.

Department of Pathology and Laboratory Medicine, Sinai Health System
Classification: Likely pathogenic for Congenital generalized lipodystrophy type 1. Last evaluated: 2023-05-10. Review status: criteria provided, single submitter. Criteria: ACMG Guidelines, 2015. Collection method: research. Allele origin: germline.

Neuberg Centre For Genomic Medicine, NCGM
Classification: Likely pathogenic for Congenital generalized lipodystrophy type 1. Last evaluated: 2023-02-14. Review status: criteria provided, single submitter. Criteria: ACMG Guidelines, 2015. Collection method: clinical testing. Allele origin: germline. Inheritance: Autosomal recessive inheritance. Affected: yes.
Comment: The stop gained c.646A>T(p.Lys216Ter) variant in AGPAT2 gene has been reported previously in homozygous state in individual(s) affected with Berardinelli-Seip congenital lipodystrophy (Akinci B, et. al.,2016; Magré J, et. al., 2003). The c.646A>T variant has been reported with allele frequency of 0.04% in gnomAD Exomes databases. This variant has been reported to the ClinVar database as Likely Benign/ Uncertain Significance / Likely Pathogenic / Pathogenic. This variant is predicted to cause loss of normal protein function through protein truncation. Loss of function variants have been previously reported to be disease causing. However, additional functional studies will be required to prove the pathogenicity of this variant. For these reasons, this variant has been classified as Likely Pathogenic.

Mendelics
Classification: Pathogenic for Congenital generalized lipodystrophy type 1. Last evaluated: 2022-05-04. Review status: criteria provided, single submitter. Criteria: Mendelics Assertion Criteria 2019. Collection method: clinical testing. Allele origin: germline.

Fulgent Genetics
Classification: Likely pathogenic for Congenital generalized lipodystrophy type 1. Last evaluated: 2021-06-30. Review status: criteria provided, single submitter. Criteria: ACMG Guidelines, 2015. Collection method: clinical testing. Allele origin: unknown.
Comment: This variant has been detected in individual(s) who were sent for testing of Renasight - kidney gene panel.

Juno Genomics, Hangzhou Juno Genomics, Inc
Classification: Likely pathogenic for Congenital generalized lipodystrophy type 1. Review status: criteria provided, single submitter. Criteria: ACMG Guidelines, 2015. Collection method: clinical testing. Allele origin: germline.
Comment: Null variant in a gene where loss of function (LOF) is a known mechanism of disease.;For recessive disorders, detected in trans with a pathogenic variant.

PreventionGenetics, part of Exact Sciences
Classification: Likely pathogenic for AGPAT2-related condition. Last evaluated: 2024-03-25. Review status: no assertion criteria provided. Collection method: clinical testing. Allele origin: germline. Not counted in ClinVar's aggregate classification.
Comment: The AGPAT2 c.646A>T variant is predicted to result in premature protein termination (p.Lys216*). This variant has been reported in multiple individuals with Berardinelli-Seip lipodystrophy in the homozygous state (Magre et al 2003. PubMed ID: 12765973; Akinci et al 2016. PubMed ID: 27144933; Guo et al 2020. PubMed ID: 32800040; Costa-Riuetto et al. 2020 PubMed: 34033296; Saydam et al. 2021. PubMed: 34593051). This variant is reported in 0.33% of alleles in individuals of African descent in gnomAD. Nonsense variants in AGPAT2 are expected to be pathogenic. This variant is interpreted as likely pathogenic.

Dr. Peter K. Rogan Lab, Western University
No classification provided (evidence only). Condition: Malignant tumor of urinary bladder. Review status: no classification provided. Collection method: in vitro. Allele origin: not applicable. Functional consequence: retained intron. Not counted in ClinVar's aggregate classification.

Dr. Peter K. Rogan Lab, Western University
No classification provided (evidence only). Condition: Malignant tumor of urinary bladder. Review status: no classification provided. Collection method: in vitro. Allele origin: not applicable. Functional consequence: retained intron. Not counted in ClinVar's aggregate classification.

GeneReviews
No classification provided. Condition: Congenital generalized lipodystrophy type 1. Review status: no classification provided. Collection method: literature only. Allele origin: germline. Affected: yes. Not counted in ClinVar's aggregate classification.

Literature cited by the submitters: PubMed 12765973 (cited by Labcorp Genetics (formerly Invitae), Labcorp); PubMed 32800040 (cited by Labcorp Genetics (formerly Invitae), Labcorp); PubMed 32412105 (cited by Labcorp Genetics (formerly Invitae), Labcorp); NCBI Bookshelf NBK1212 (cited by GeneReviews).

NM_006412.4(AGPAT2):c.646A>T (p.Lys216Ter)

Gene: AGPAT2 (1-acylglycerol-3-phosphate O-acyltransferase 2; minus strand). Cytogenetic location: 9q34.3.
Variant type: single nucleotide variant.
Coding change: c.646A>T on transcript NM_006412.4 (MANE Select); coding-DNA position 646, A replaced by T.
Protein change: p.Lys216Ter; replaces lysine 216 with a stop codon.
Molecular consequence: nonsense.
Genome position (GRCh38, 1-based): chr9:136,674,750, T>A on the plus strand (A>T on the coding strand, the complement: AGPAT2 is on the minus strand). VCF-style: chr9-136674750-T-A. GRCh37 (hg19) VCF-style: chr9-139569202-T-A.
Other names: NC_000009.11:g.139569202T>A; c.550A>T, p.Lys184Ter (NM_001012727.2); short protein forms K216*, K184*.
Identifiers: ClinVar variation 365922 (VCV000365922.22), dbSNP rs138994150, ClinGen allele CA5342894.